The following is an entry in ClinVar:

ClinVar aggregate classification (germline): Conflicting classifications of pathogenicity. Review status: criteria provided, conflicting classifications (1 of 4 stars). 2 submissions from 2 submitters: Uncertain significance (1); Likely benign (1). Last evaluated 2024-07-08.

Conditions:
Gorlin syndrome. Also called: Nevoid Basal Cell Carcinoma Syndrome; Basal cell nevus syndrome. Identifiers: Orphanet 377, MedGen C0004779, MONDO:0007187.
Hereditary cancer-predisposing syndrome. Also called: Hereditary neoplastic syndrome; Neoplastic Syndromes, Hereditary; Hereditary Cancer Syndrome; Tumor predisposition. Identifiers: Orphanet 140162, MedGen C0027672, MeSH D009386, MONDO:0015356.

Allele frequency attached by ClinVar (database versions not stated): TOPMed below 0.00001; gnomAD exomes 0.00001.

Submissions (2):

Ambry Genetics
Classification: Uncertain significance for Hereditary cancer-predisposing syndrome. Last evaluated: 2024-07-08. Review status: criteria provided, single submitter. Criteria: Ambry Variant Classification Scheme 2023. Collection method: clinical testing. Allele origin: germline.
Comment: The p.C56G variant (also known as c.166T>G), located in coding exon 1 of the PTCH1 gene, results from a T to G substitution at nucleotide position 166. The cysteine at codon 56 is replaced by glycine, an amino acid with highly dissimilar properties. This amino acid position is conserved. In addition, this alteration is predicted to be deleterious by in silico analysis. Since supporting evidence is limited at this time, the clinical significance of this alteration remains unclear.

Labcorp Genetics (formerly Invitae), Labcorp
Classification: Likely benign for Gorlin syndrome. Last evaluated: 2024-05-23. Review status: criteria provided, single submitter. Criteria: Invitae Variant Classification Sherloc (09022015). Collection method: clinical testing. Allele origin: germline.

NM_000264.5(PTCH1):c.166T>G (p.Cys56Gly)

Gene: PTCH1 (patched 1; minus strand). Cytogenetic location: 9q22.32.
Variant type: single nucleotide variant.
Coding change: c.166T>G on transcript NM_000264.5 (MANE Select); coding-DNA position 166, T replaced by G.
Protein change: p.Cys56Gly; replaces cysteine 56 with glycine.
Molecular consequence: missense variant. On other transcripts: non-coding transcript variant (1), intron variant (3).
Genome position (GRCh38, 1-based): chr9:95,508,196, A>C on the plus strand (T>G on the coding strand, the complement: PTCH1 is on the minus strand). VCF-style: chr9-95508196-A-C. GRCh37 (hg19) VCF-style: chr9-98270478-A-C.
Other names: c.166T>G, p.Cys56Gly (NM_001354918.2); c.199-1597T>G (NM_001083603.3); c.4-1597T>G (NM_001083602.3, NM_001354919.2); short protein forms C56G.
Identifiers: ClinVar variation 1397024 (VCV001397024.13), dbSNP rs1340609158, ClinGen allele CA374121313.